The following is an entry in ClinVar:

ClinVar aggregate classification (germline): Uncertain significance. Review status: criteria provided, multiple submitters, no conflicts (2 of 4 stars). 2 submissions from 2 submitters: Uncertain significance (2). Last evaluated 2025-12-08.

Conditions:
Inborn genetic diseases. Identifiers: MedGen C0950123, MeSH D030342.

Allele frequency attached by ClinVar (database versions not stated): gnomAD 0.00005; ExAC 0.00004; TOPMed 0.00006.
gnomAD v4.1: 51 of 1,613,432 alleles (0.0032%); highest among the groups gnomAD compares: Admixed American, 0.005%; no homozygotes.

Submissions (2):

Labcorp Genetics (formerly Invitae), Labcorp
Classification: Uncertain significance. Last evaluated: 2025-12-08. Review status: criteria provided, single submitter. Criteria: Invitae Variant Classification Sherloc (09022015). Collection method: clinical testing. Allele origin: germline.
Comment: This sequence change replaces valine, which is neutral and non-polar, with methionine, which is neutral and non-polar, at codon 290 of the CYP11B2 protein (p.Val290Met). This variant is present in population databases (rs777858218, gnomAD 0.01%). This variant has not been reported in the literature in individuals affected with CYP11B2-related conditions. ClinVar contains an entry for this variant (Variation ID: 2493359). Invitae Evidence Modeling of protein sequence and biophysical properties (such as structural, functional, and spatial information, amino acid conservation, physicochemical variation, residue mobility, and thermodynamic stability) indicates that this missense variant is not expected to disrupt CYP11B2 protein function with a negative predictive value of 95%. In summary, the available evidence is currently insufficient to determine the role of this variant in disease. Therefore, it has been classified as a Variant of Uncertain Significance.

Ambry Genetics
Classification: Uncertain significance for Inborn genetic diseases. Last evaluated: 2025-06-24. Review status: criteria provided, single submitter. Criteria: Ambry Variant Classification Scheme 2023. Collection method: clinical testing. Allele origin: germline.

NM_000498.3(CYP11B2):c.868G>A (p.Val290Met)

Genes: CYP11B2 (cytochrome P450 family 11 subfamily B member 2; minus strand), LOC106799834 (CYP11B2 recombination region; plus strand). Cytogenetic location: 8q24.3.
Variant type: single nucleotide variant.
Coding change: c.868G>A on transcript NM_000498.3 (MANE Select); coding-DNA position 868, G replaced by A.
Protein change: p.Val290Met; replaces valine 290 with methionine.
Molecular consequence: missense variant.
Genome position (GRCh38, 1-based): chr8:142,914,350, C>T on the plus strand (G>A on the coding strand, the complement: CYP11B2 is on the minus strand). VCF-style: chr8-142914350-C-T. GRCh37 (hg19) VCF-style: chr8-143995766-C-T.
Other names: short protein forms V290M.
Identifiers: ClinVar variation 2493359 (VCV002493359.5), dbSNP rs777858218, ClinGen allele CA4906047.